The following is an entry in ClinVar:

ClinVar aggregate classification (germline): Uncertain significance. Review status: criteria provided, single submitter (1 of 4 stars). 2 submissions from 2 submitters: Uncertain significance (1). 1 of the submissions does not count toward it. Last evaluated 2021-09-01.

Conditions:
Schimke immuno-osseous dysplasia (SIOD). Also called: Schimke Immunoosseous Dysplasia. Identifiers: Orphanet 1830, MedGen C0877024, MONDO:0009458, OMIM 242900.

Allele frequency attached by ClinVar (database versions not stated): gnomAD exomes below 0.00001; ExAC 0.00001; gnomAD 0.00001; TOPMed 0.00001.
gnomAD v4.1: 4 of 1,614,052 alleles (0.00025%); highest among the groups gnomAD compares: African/African-American, 0.0013%; no homozygotes.

Submissions (2):

Labcorp Genetics (formerly Invitae), Labcorp
Classification: Uncertain significance for Schimke immuno-osseous dysplasia. Last evaluated: 2021-09-01. Review status: criteria provided, single submitter. Criteria: Invitae Variant Classification Sherloc (09022015). Collection method: clinical testing. Allele origin: germline.
Comment: This sequence change replaces arginine with cysteine at codon 23 of the SMARCAL1 protein (p.Arg23Cys). The arginine residue is moderately conserved and there is a large physicochemical difference between arginine and cysteine. This variant is present in population databases (rs753690688, ExAC 0.01%). This variant has not been reported in the literature in individuals affected with SMARCAL1-related conditions. Algorithms developed to predict the effect of missense changes on protein structure and function are either unavailable or do not agree on the potential impact of this missense change (SIFT: "Deleterious"; PolyPhen-2: "Probably Damaging"; Align-GVGD: "Class C0"). Experimental studies have shown that this missense change affects SMARCAL1 function (PMID: 29802247). In summary, the available evidence is currently insufficient to determine the role of this variant in disease. Therefore, it has been classified as a Variant of Uncertain Significance.

Natera, Inc.
Classification: Uncertain significance for Schimke immuno-osseous dysplasia. Last evaluated: 2020-01-10. Review status: no assertion criteria provided. Collection method: clinical testing. Allele origin: germline. Not counted in ClinVar's aggregate classification.

Literature cited by the submitters: PubMed 29802247 (cited by Labcorp Genetics (formerly Invitae), Labcorp).

NM_014140.4(SMARCAL1):c.67C>T (p.Arg23Cys)

Gene: SMARCAL1 (SNF2 related chromatin remodeling annealing helicase 1; plus strand). Cytogenetic location: 2q35.
Variant type: single nucleotide variant.
Coding change: c.67C>T on transcript NM_014140.4 (MANE Select); coding-DNA position 67, C replaced by T.
Protein change: p.Arg23Cys; replaces arginine 23 with cysteine.
Molecular consequence: missense variant.
Genome position (GRCh38, 1-based): chr2:216,414,771, C>T. VCF-style: chr2-216414771-C-T. GRCh37 (hg19) VCF-style: chr2-217279494-C-T.
Other names: c.67C>T, p.Arg23Cys (NM_001127207.2); short protein forms R23C.
Identifiers: ClinVar variation 951652 (VCV000951652.10), dbSNP rs753690688, ClinGen allele CA2097551.
Genomic context (GRCh38, chr2:216,414,771, plus strand): 5'-TTGCCTCTTACAGAGGAGCAGAGGAAAAAGATTGAAGAGAATCGACAAAAGGCTCTGGCC[C>T]GCAGAGCTGAGAAGTTATTGGCAGAACAGCATCAGAGGACTAGCTCGGGCACCTCCATTG-3'
Protein context (NP_054859.2, residues 13-33): IEENRQKALA[Arg23Cys]RAEKLLAEQH